The following is an entry in ClinVar:

ClinVar aggregate classification (germline): Uncertain significance (1 of 4 stars; one submission).

Submission:

GeneDx
Classification: Uncertain significance. Last evaluated: 2019-04-11. Review status: criteria provided, single submitter. Criteria: GeneDx Variant Classification Process June 2021. Collection method: clinical testing. Allele origin: germline. Affected: yes.
Comment: Not observed in large population cohorts (Lek et al., 2016); This variant is associated with the following publications: (PMID: 27879313, 27125181)

NM_004612.4(TGFBR1):c.848A>C (p.His283Pro)

Gene: TGFBR1 (transforming growth factor beta receptor 1; plus strand). Cytogenetic location: 9q22.33.
Variant type: single nucleotide variant.
Coding change: c.848A>C on transcript NM_004612.4 (MANE Select); coding-DNA position 848, A replaced by C.
Protein change: p.His283Pro; replaces histidine 283 with proline.
Molecular consequence: missense variant.
Genome position (GRCh38, 1-based): chr9:99,142,578, A>C. VCF-style: chr9-99142578-A-C. GRCh37 (hg19) VCF-style: chr9-101904860-A-C.
Other names: c.617A>C, p.His206Pro (NM_001130916.3); c.860A>C, p.His287Pro (NM_001306210.2); short protein forms H283P, H287P, H206P.
Identifiers: ClinVar variation 422843 (VCV000422843.3), dbSNP rs1064796037, ClinGen allele CA16618919.